The following is an entry in ClinVar:

NM_015338.6(ASXL1):c.979+4T>C

Gene: ASXL1 (ASXL transcriptional regulator 1; plus strand). Cytogenetic location: 20q11.21.
Variant type: single nucleotide variant.
Coding change: c.979+4T>C on transcript NM_015338.6 (MANE Select); 4 bases into the intron after coding-DNA position 979, T replaced by C.
Molecular consequence: intron variant.
Genome position (GRCh38, 1-based): chr20:32,431,683, T>C. VCF-style: chr20-32431683-T-C. GRCh37 (hg19) VCF-style: chr20-31019486-T-C.
Other names: c.796+4T>C (NM_001363734.1).
Identifiers: ClinVar variation 2960548 (VCV002960548.3), dbSNP rs2011518896, ClinGen allele CA1016960044.

ClinVar aggregate classification (germline): Uncertain significance (1 of 4 stars; one submission).

Allele frequency attached by ClinVar (database versions not stated): gnomAD 0.00001.
gnomAD v4.1: 2 of 1,612,346 alleles (0.00012%); highest among the groups gnomAD compares: Admixed American, 0.0017%; no homozygotes.

Submission:

Labcorp Genetics (formerly Invitae), Labcorp
Classification: Uncertain significance. Last evaluated: 2023-01-05. Review status: criteria provided, single submitter. Criteria: Invitae Variant Classification Sherloc (09022015). Collection method: clinical testing. Allele origin: germline.
Comment: In summary, the available evidence is currently insufficient to determine the role of this variant in disease. Therefore, it has been classified as a Variant of Uncertain Significance. Variants that disrupt the consensus splice site are a relatively common cause of aberrant splicing (PMID: 17576681, 9536098). Algorithms developed to predict the effect of sequence changes on RNA splicing suggest that this variant is not likely to affect RNA splicing. This variant has not been reported in the literature in individuals affected with ASXL1-related conditions. This variant is not present in population databases (gnomAD no frequency). This sequence change falls in intron 10 of the ASXL1 gene. It does not directly change the encoded amino acid sequence of the ASXL1 protein. It affects a nucleotide within the consensus splice site.

Literature cited by the submitters: PubMed 17576681; PubMed 9536098.